The following is an entry in ClinVar:

NM_002303.6(LEPR):c.2674-5846C>G

Gene: LEPR (leptin receptor; plus strand). Cytogenetic location: 1p31.3.
Variant type: single nucleotide variant.
Coding change: c.2674-5846C>G on transcript NM_002303.6 (MANE Select); 5846 bases into the intron before coding-DNA position 2674, C replaced by G.
Molecular consequence: intron variant. On other transcripts: synonymous variant (2).
Genome position (GRCh38, 1-based): chr1:65,630,345, C>G. VCF-style: chr1-65630345-C-G. GRCh37 (hg19) VCF-style: chr1-66096028-C-G.
Other names: c.2817C>G, p.Leu939= (NM_001003680.3, NM_001198687.2); c.2674-2807C>G (NM_001003679.3, NM_001198689.2).
Identifiers: ClinVar variation 3061724 (VCV003061724.2), dbSNP rs533241616, ClinGen allele CA23928966.

ClinVar aggregate classification (germline): Likely benign (0 of 4 stars; one submission).

Conditions:
LEPR-related disorder. Also called: LEPR-related disorders; LEPR-related condition.

Allele frequency attached by ClinVar (database versions not stated): gnomAD 0.00005; gnomAD exomes 0.00005; TOPMed 0.00007; 1000 Genomes Project 30x 0.00031; 1000 Genomes Project 0.00040.
gnomAD v4.1: 11 of 217,680 alleles (0.0051%); highest among the groups gnomAD compares: East Asian, 0.16%; no homozygotes.

Submission:

PreventionGenetics, part of Exact Sciences
Classification: Likely benign for LEPR-related condition. Last evaluated: 2023-11-06. Review status: no assertion criteria provided. Collection method: clinical testing. Allele origin: germline.
Comment: This variant is classified as likely benign based on ACMG/AMP sequence variant interpretation guidelines (Richards et al. 2015 PMID: 25741868, with internal and published modifications).